The following is an entry in ClinVar:

ClinVar aggregate classification (germline): Conflicting classifications of pathogenicity. Review status: criteria provided, conflicting classifications (1 of 4 stars). 4 submissions from 4 submitters: Uncertain significance (3); Likely benign (1). Last evaluated 2025-02-01.

Conditions:
Hereditary nonpolyposis colorectal neoplasms. Identifiers: MedGen C0009405, MeSH D003123.
Hereditary cancer-predisposing syndrome. Also called: Hereditary Cancer Syndrome; Tumor predisposition; Hereditary neoplastic syndrome; Neoplastic Syndromes, Hereditary. Identifiers: Orphanet 140162, MedGen C0027672, MeSH D009386, MONDO:0015356.

Allele frequency attached by ClinVar (database versions not stated): gnomAD exomes below 0.00001 and 0.00001; ExAC 0.00001.
gnomAD v4.1: 3 of 1,614,192 alleles (0.00019%); highest among the groups gnomAD compares: South Asian, 0.0011%; no homozygotes.

Submissions (4):

Dasa
Classification: Uncertain significance. Last evaluated: 2025-02-01. Review status: criteria provided, single submitter. Criteria: DASA Assertion Criteria. Collection method: clinical testing. Allele origin: germline.
Comment: NM_000179.3(MSH6):c.3388G>A (p.Val1130Met) is a missense variant that results in the substitution of valine with methionine. This variant is rare in population databases. The currently available literature and clinical evidence are not sufficient to establish a definitive association between this variant and the reported condition. Therefore, this variant is classified as a variant of uncertain significance.

Labcorp Genetics (formerly Invitae), Labcorp
Classification: Likely benign for Hereditary nonpolyposis colorectal neoplasms. Last evaluated: 2024-04-10. Review status: criteria provided, single submitter. Criteria: Invitae Variant Classification Sherloc (09022015). Collection method: clinical testing. Allele origin: germline.

GeneDx
Classification: Uncertain significance. Last evaluated: 2021-10-20. Review status: criteria provided, single submitter. Criteria: GeneDx Variant Classification Process June 2021. Collection method: clinical testing. Allele origin: germline. Affected: yes.
Comment: Not observed at significant frequency in large population cohorts (Lek et al., 2016); In silico analysis supports that this missense variant does not alter protein structure/function; Has not been previously published as pathogenic or benign to our knowledge; This variant is associated with the following publications: (PMID: 21120944, 17531815)

Ambry Genetics
Classification: Uncertain significance for Hereditary cancer-predisposing syndrome. Last evaluated: 2021-04-13. Review status: criteria provided, single submitter. Criteria: Ambry Variant Classification Scheme 2023. Collection method: clinical testing. Allele origin: germline.
Comment: The p.V1130M variant (also known as c.3388G>A), located in coding exon 5 of the MSH6 gene, results from a G to A substitution at nucleotide position 3388. The valine at codon 1130 is replaced by methionine, an amino acid with highly similar properties. This amino acid position is highly conserved in available vertebrate species. In addition, the in silico prediction for this alteration is inconclusive. Since supporting evidence is limited at this time, the clinical significance of this alteration remains unclear.

NM_000179.3(MSH6):c.3388G>A (p.Val1130Met)

Gene: MSH6 (mutS homolog 6; plus strand). Cytogenetic location: 2p16.3.
Variant type: single nucleotide variant.
Coding change: c.3388G>A on transcript NM_000179.3 (MANE Select); coding-DNA position 3388, G replaced by A.
Protein change: p.Val1130Met; replaces valine 1130 with methionine.
Molecular consequence: missense variant.
Genome position (GRCh38, 1-based): chr2:47,803,635, G>A. VCF-style: chr2-47803635-G-A. GRCh37 (hg19) VCF-style: chr2-48030774-G-A.
Other names: c.2998G>A, p.Val1000Met (NM_001281492.2); c.2482G>A, p.Val828Met (NM_001281493.2, NM_001281494.2); short protein forms V1130M, V1000M, V828M.
Identifiers: ClinVar variation 421026 (VCV000421026.16), dbSNP rs752164796, ClinGen allele CA070759.